The following is an entry in ClinVar:

ClinVar aggregate classification (germline): Benign/Likely benign. Review status: criteria provided, multiple submitters, no conflicts (2 of 4 stars). 2 submissions from 2 submitters: Benign (1); Likely benign (1). Last evaluated 2025-07-03.

Conditions:
KMT2D-related disorder. Also called: KMT2D-Related Disorders.
Kabuki syndrome. Also called: NIIKAWA-KUROKI SYNDROME; Kabuki make-up syndrome. Identifiers: Orphanet 2322, MedGen C0796004, MONDO:0016512.

Allele frequency attached by ClinVar (database versions not stated): gnomAD 0.00001; TOPMed 0.00001; ExAC 0.00004.
gnomAD v4.1: 17 of 1,613,040 alleles (0.0011%); highest among the groups gnomAD compares: Admixed American, 0.0067%; no homozygotes.

Submissions (2):

PreventionGenetics, part of Exact Sciences
Classification: Likely benign for KMT2D-related condition. Last evaluated: 2025-07-03. Review status: criteria provided, single submitter. Criteria: ACMG Guidelines, 2015. Collection method: clinical testing. Allele origin: germline.
Comment: This variant is classified as likely benign based on ACMG/AMP sequence variant interpretation guidelines (Richards et al. 2015 PMID: 25741868, with internal and published modifications).

Labcorp Genetics (formerly Invitae), Labcorp
Classification: Benign for Kabuki syndrome. Last evaluated: 2025-03-12. Review status: criteria provided, single submitter. Criteria: Invitae Variant Classification Sherloc (09022015). Collection method: clinical testing. Allele origin: germline.

NM_003482.4(KMT2D):c.343C>T (p.Leu115=)

Gene: KMT2D (lysine methyltransferase 2D; minus strand). Cytogenetic location: 12q13.12.
Variant type: single nucleotide variant.
Coding change: c.343C>T on transcript NM_003482.4 (MANE Select); coding-DNA position 343, C replaced by T.
Protein change: p.Leu115=; no amino-acid change (leucine 115 retained).
Molecular consequence: synonymous variant.
Genome position (GRCh38, 1-based): chr12:49,054,585, G>A on the plus strand (C>T on the coding strand, the complement: KMT2D is on the minus strand). VCF-style: chr12-49054585-G-A. GRCh37 (hg19) VCF-style: chr12-49448368-G-A.
Identifiers: ClinVar variation 2197100 (VCV002197100.5), dbSNP rs769800698, ClinGen allele CA6548741.